The following is an entry in ClinVar:

ClinVar aggregate classification (germline): Conflicting classifications of pathogenicity. Review status: criteria provided, conflicting classifications (1 of 4 stars). 4 submissions from 4 submitters: Uncertain significance (3); Likely benign (1). Last evaluated 2026-05-04.

Conditions:
Charcot-Marie-Tooth Neuropathy X. Identifiers: MedGen CN118851.
Combined oxidative phosphorylation deficiency. Identifiers: MedGen C4540031, MONDO:0000732.

Allele frequency attached by ClinVar (database versions not stated): ExAC 0.00003; gnomAD 0.00003; gnomAD exomes 0.00003 and 0.00008; TOPMed 0.00005.
gnomAD v4.1: 86 of 1,206,138 alleles (0.0071%); highest among the groups gnomAD compares: Non-Finnish European, 0.0095%; no homozygotes.

Submissions (4):

GeneDx
Classification: Uncertain significance. Last evaluated: 2026-05-04. Review status: criteria provided, single submitter. Criteria: GeneDx Variant Classification Process June 2021. Collection method: clinical testing. Allele origin: germline.
Comment: Observed as heterozygous in a patient with microcephaly and lactic acidosis who was also compound heterozygous for loss of function variants in MTFMT (PMID: 24461907); In silico analysis supports that this missense variant has a deleterious effect on protein structure/function; This variant is associated with the following publications: (PMID: 24461907)

Labcorp Genetics (formerly Invitae), Labcorp
Classification: Uncertain significance for Charcot-Marie-Tooth Neuropathy X; Combined oxidative phosphorylation deficiency. Last evaluated: 2025-05-13. Review status: criteria provided, single submitter. Criteria: Invitae Variant Classification Sherloc (09022015). Collection method: clinical testing. Allele origin: germline.
Comment: This sequence change replaces alanine, which is neutral and non-polar, with threonine, which is neutral and polar, at codon 318 of the AIFM1 protein (p.Ala318Thr). This variant is present in population databases (rs773680831, gnomAD 0.006%), including at least one homozygous and/or hemizygous individual. This variant has not been reported in the literature in individuals affected with AIFM1-related conditions. ClinVar contains an entry for this variant (Variation ID: 594797). Invitae Evidence Modeling of protein sequence and biophysical properties (such as structural, functional, and spatial information, amino acid conservation, physicochemical variation, residue mobility, and thermodynamic stability) indicates that this missense variant is expected to disrupt AIFM1 protein function with a positive predictive value of 80%. In summary, the available evidence is currently insufficient to determine the role of this variant in disease. Therefore, it has been classified as a Variant of Uncertain Significance.

CeGaT Center for Human Genetics Tuebingen
Classification: Likely benign. Last evaluated: 2023-03-01. Review status: criteria provided, single submitter. Criteria: CeGaT Center For Human Genetics Tuebingen Variant Classification Criteria Version 2. Collection method: clinical testing. Allele origin: germline. Affected: yes. Observed: 2 variant alleles.
Comment: AIFM1: BS2

Eurofins Ntd Llc (ga)
Classification: Uncertain significance. Last evaluated: 2017-11-15. Review status: criteria provided, single submitter. Criteria: EGL Classification Definitions 2015. Collection method: clinical testing. Allele origin: germline. Observed: 1 variant allele, 1 heterozygote.

NM_004208.4(AIFM1):c.952G>A (p.Ala318Thr)

Genes: AIFM1 (apoptosis inducing factor mitochondria associated 1; minus strand), RAB33A (RAB33A, member RAS oncogene family; plus strand). Cytogenetic location: Xq26.1.
Variant type: single nucleotide variant.
Coding change: c.952G>A on transcript NM_004208.4 (MANE Select); coding-DNA position 952, G replaced by A.
Protein change: p.Ala318Thr; replaces alanine 318 with threonine.
Molecular consequence: missense variant. On other transcripts: non-coding transcript variant (1).
Genome position (GRCh38, 1-based): chrX:130,138,608, C>T on the plus strand (G>A on the coding strand, the complement: AIFM1 is on the minus strand). VCF-style: chrX-130138608-C-T. GRCh37 (hg19) VCF-style: chrX-129272583-C-T.
Other names: c.952G>A, p.Ala318Thr (NM_001130847.4); c.940G>A, p.Ala314Thr (NM_145812.3); short protein forms A318T, A314T.
Identifiers: ClinVar variation 594797 (VCV000594797.39), dbSNP rs773680831, ClinGen allele CA10515369.